The following is an entry in ClinVar:

NM_001384732.1(CPLANE1):c.8958+4A>C

Gene: CPLANE1 (ciliogenesis and planar polarity effector complex subunit 1; minus strand). Cytogenetic location: 5p13.2.
Variant type: single nucleotide variant.
Coding change: c.8958+4A>C on transcript NM_001384732.1 (MANE Select); 4 bases into the intron after coding-DNA position 8958, A replaced by C.
Molecular consequence: intron variant.
Genome position (GRCh38, 1-based): chr5:37,125,240, T>G on the plus strand (A>C on the coding strand, the complement: CPLANE1 is on the minus strand). VCF-style: chr5-37125240-T-G. GRCh37 (hg19) VCF-style: chr5-37125342-T-G.
Other names: c.8796+4A>C (NM_023073.4).
Identifiers: ClinVar variation 197551 (VCV000197551.60), dbSNP rs199810663, ClinGen allele CA245783.

ClinVar aggregate classification (germline): Conflicting classifications of pathogenicity. Review status: criteria provided, conflicting classifications (1 of 4 stars). 11 submissions from 11 submitters: Uncertain significance (4); Benign (3); Likely benign (3). 1 of the submissions does not count toward it. Last evaluated 2026-07-01.

Conditions:
CPLANE1-related disorder. Also called: CPLANE1-related condition.
Joubert syndrome 17 (JBTS17). Identifiers: Orphanet 475, MedGen C3553264, MONDO:0013824, OMIM 614615.
Intellectual disability. Also called: intellectual disabilities; Intellectual developmental disorder; Intellectual functioning disability. Identifiers: MedGen C3714756, MeSH D008607, MONDO:0001071, HP:0001249.

Allele frequency attached by ClinVar (database versions not stated): 1000 Genomes Project 0.00060; 1000 Genomes Project 30x 0.00062; gnomAD 0.00235 and 0.00237; TOPMed 0.00239; ExAC 0.00253; gnomAD exomes 0.00260; ESP Exome Variant Server 0.00269.
gnomAD v4.1: 5,013 of 1,610,100 alleles (0.31%); highest among the groups gnomAD compares: Middle Eastern, 0.58%; 12 homozygotes.

Submissions (32):

CeGaT Center for Human Genetics Tuebingen
Classification: Likely benign. Last evaluated: 2026-07-01. Review status: criteria provided, single submitter. Criteria: CeGaT Center For Human Genetics Tuebingen Variant Classification Criteria Version 2. Collection method: clinical testing. Allele origin: germline. Affected: yes. Observed: 17 variant alleles.
Comment: CPLANE1: PP3, BS2

Labcorp Genetics (formerly Invitae), Labcorp
Classification: Likely benign. Last evaluated: 2026-01-28. Review status: criteria provided, single submitter. Criteria: Invitae Variant Classification Sherloc (09022015). Collection method: clinical testing. Allele origin: germline.

Blueprint Genetics
Classification: Likely benign. Last evaluated: 2024-11-19. Review status: criteria provided, single submitter. Criteria: ACMG Guidelines, 2015. Collection method: clinical testing. Allele origin: germline.

Women's Health and Genetics/Laboratory Corporation of America, LabCorp
Classification: Benign. Last evaluated: 2024-05-31. Review status: criteria provided, single submitter. Criteria: LabCorp Variant Classification Summary - May 2015. Collection method: clinical testing. Allele origin: germline.
Comment: Variant summary: CPLANE1 c.8796+4A>C alters a non-conserved nucleotide located close to a canonical splice site and therefore could affect mRNA splicing, leading to a significantly altered protein sequence. Several computational tools predict a significant impact on normal splicing: Three predict the variant weakens the canonical 5' donor site. One predict the variant no significant impact on splicing. However, these predictions have yet to be confirmed by functional studies. The variant allele was found at a frequency of 0.0025 in 279710 control chromosomes, predominantly at a frequency of 0.0031 within the Non-Finnish European subpopulation in the gnomAD database, including 1 homozygotes. The observed variant frequency within Non-Finnish European control individuals in the gnomAD database is approximately 2-fold of the estimated maximal expected allele frequency for a pathogenic variant in CPLANE1 causing Joubert Syndrome And Related Disorders phenotype (0.0015). To our knowledge, no occurrence of c.8796+4A>C in individuals affected with Joubert Syndrome And Related Disorders and no experimental evidence demonstrating its impact on protein function have been reported. ClinVar contains an entry for this variant (Variation ID: 197551). Based on the evidence outlined above, the variant was classified as benign.

Cambridge Genomics Laboratory, East Genomic Laboratory Hub, NHS Genomic Medicine Service
Classification: Benign for Intellectual disability. Last evaluated: 2019-04-17. Review status: criteria provided, single submitter. Criteria: ACGS Best Practice Guidelines for Variant Classification in Rare Disease 2020. Collection method: clinical testing. Allele origin: germline. Affected: yes. Observed: 1 variant allele.

GeneDx
Classification: Benign. Last evaluated: 2018-12-21. Review status: criteria provided, single submitter. Criteria: GeneDx Variant Classification Process June 2021. Collection method: clinical testing. Allele origin: germline. Affected: yes.

Illumina Laboratory Services, Illumina
Classification: Uncertain significance for Joubert syndrome 17. Last evaluated: 2018-01-13. Review status: criteria provided, single submitter. Criteria: ICSL Variant Classification Criteria 13 December 2019. Collection method: clinical testing. Allele origin: germline.

Center for Pediatric Genomic Medicine, Children's Mercy Hospital and Clinics
Classification: Uncertain significance. Last evaluated: 2016-09-15. Review status: criteria provided, single submitter. Criteria: ACMG Guidelines, 2015. Collection method: clinical testing. Allele origin: germline.
ClinVar note: Converted during submission from Uncertain Significance to Uncertain significance.

Genetic Services Laboratory, University of Chicago
Classification: Uncertain significance. Last evaluated: 2015-11-06. Review status: criteria provided, single submitter. Criteria: ACMG Guidelines, 2015. Collection method: clinical testing. Allele origin: germline. Affected: no.

Eurofins Ntd Llc (ga)
Classification: Uncertain significance. Last evaluated: 2015-01-13. Review status: criteria provided, single submitter. Criteria: EGL Classification Definitions 2015. Collection method: clinical testing. Allele origin: germline. Observed: 2 variant alleles, 2 heterozygotes.

PreventionGenetics, part of Exact Sciences
Classification: Benign for CPLANE1-related condition. Last evaluated: 2019-06-24. Review status: no assertion criteria provided. Collection method: clinical testing. Allele origin: germline. Not counted in ClinVar's aggregate classification.
Comment: This variant is classified as benign based on ACMG/AMP sequence variant interpretation guidelines (Richards et al. 2015 PMID: 25741868, with internal and published modifications).

Dr. Peter K. Rogan Lab, Western University
No classification provided (evidence only). Condition: Malignant tumor of urinary bladder. Review status: no classification provided. Collection method: in vitro. Allele origin: not applicable. Functional consequence: retained intron. Not counted in ClinVar's aggregate classification.

Dr. Peter K. Rogan Lab, Western University
No classification provided (evidence only). Condition: Clear cell carcinoma of kidney. Review status: no classification provided. Collection method: in vitro. Allele origin: not applicable. Functional consequence: retained intron. Not counted in ClinVar's aggregate classification.

Dr. Peter K. Rogan Lab, Western University
No classification provided (evidence only). Condition: Clear cell carcinoma of kidney. Review status: no classification provided. Collection method: in vitro. Allele origin: not applicable. Functional consequence: retained intron. Not counted in ClinVar's aggregate classification.

Dr. Peter K. Rogan Lab, Western University
No classification provided (evidence only). Condition: Clear cell carcinoma of kidney. Review status: no classification provided. Collection method: in vitro. Allele origin: not applicable. Functional consequence: skipped exon, retained intron. Not counted in ClinVar's aggregate classification.

Dr. Peter K. Rogan Lab, Western University
No classification provided (evidence only). Condition: Clear cell carcinoma of kidney. Review status: no classification provided. Collection method: in vitro. Allele origin: not applicable. Functional consequence: retained intron. Not counted in ClinVar's aggregate classification.

Dr. Peter K. Rogan Lab, Western University
No classification provided (evidence only). Condition: Melanoma. Review status: no classification provided. Collection method: in vitro. Allele origin: not applicable. Functional consequence: retained intron. Not counted in ClinVar's aggregate classification.

Dr. Peter K. Rogan Lab, Western University
No classification provided (evidence only). Condition: Familial cancer of breast. Review status: no classification provided. Collection method: in vitro. Allele origin: not applicable. Functional consequence: retained intron. Not counted in ClinVar's aggregate classification.

Dr. Peter K. Rogan Lab, Western University
No classification provided (evidence only). Condition: Colon adenocarcinoma. Review status: no classification provided. Collection method: in vitro. Allele origin: not applicable. Functional consequence: retained intron. Not counted in ClinVar's aggregate classification.

Dr. Peter K. Rogan Lab, Western University
No classification provided (evidence only). Condition: Cervical cancer. Review status: no classification provided. Collection method: in vitro. Allele origin: not applicable. Functional consequence: retained intron. Not counted in ClinVar's aggregate classification.

Dr. Peter K. Rogan Lab, Western University
No classification provided (evidence only). Condition: Cervical cancer. Review status: no classification provided. Collection method: in vitro. Allele origin: not applicable. Functional consequence: retained intron. Not counted in ClinVar's aggregate classification.

Dr. Peter K. Rogan Lab, Western University
No classification provided (evidence only). Condition: Sarcoma. Review status: no classification provided. Collection method: in vitro. Allele origin: not applicable. Functional consequence: retained intron. Not counted in ClinVar's aggregate classification.

Dr. Peter K. Rogan Lab, Western University
No classification provided (evidence only). Condition: Sarcoma. Review status: no classification provided. Collection method: in vitro. Allele origin: not applicable. Functional consequence: retained intron. Not counted in ClinVar's aggregate classification.

Dr. Peter K. Rogan Lab, Western University
No classification provided (evidence only). Condition: Nonpapillary renal cell carcinoma. Review status: no classification provided. Collection method: in vitro. Allele origin: not applicable. Functional consequence: retained intron. Not counted in ClinVar's aggregate classification.

Dr. Peter K. Rogan Lab, Western University
No classification provided (evidence only). Condition: Thymoma. Review status: no classification provided. Collection method: in vitro. Allele origin: not applicable. Functional consequence: retained intron. Not counted in ClinVar's aggregate classification.

Dr. Peter K. Rogan Lab, Western University
No classification provided (evidence only). Condition: Ovarian serous cystadenocarcinoma. Review status: no classification provided. Collection method: in vitro. Allele origin: not applicable. Functional consequence: retained intron. Not counted in ClinVar's aggregate classification.

Dr. Peter K. Rogan Lab, Western University
No classification provided (evidence only). Condition: Gastric cancer. Review status: no classification provided. Collection method: in vitro. Allele origin: not applicable. Functional consequence: retained intron. Not counted in ClinVar's aggregate classification.

Dr. Peter K. Rogan Lab, Western University
No classification provided (evidence only). Condition: Uveal melanoma. Review status: no classification provided. Collection method: in vitro. Allele origin: not applicable. Functional consequence: retained intron. Not counted in ClinVar's aggregate classification.

Dr. Peter K. Rogan Lab, Western University
No classification provided (evidence only). Condition: Malignant tumor of esophagus. Review status: no classification provided. Collection method: in vitro. Allele origin: not applicable. Functional consequence: retained intron. Not counted in ClinVar's aggregate classification.

Dr. Peter K. Rogan Lab, Western University
No classification provided (evidence only). Condition: Malignant tumor of esophagus. Review status: no classification provided. Collection method: in vitro. Allele origin: not applicable. Functional consequence: retained intron. Not counted in ClinVar's aggregate classification.

Dr. Peter K. Rogan Lab, Western University
No classification provided (evidence only). Condition: Malignant tumor of esophagus. Review status: no classification provided. Collection method: in vitro. Allele origin: not applicable. Functional consequence: retained intron. Not counted in ClinVar's aggregate classification.

Dr. Peter K. Rogan Lab, Western University
No classification provided (evidence only). Condition: Nonpapillary renal cell carcinoma. Review status: no classification provided. Collection method: in vitro. Allele origin: not applicable. Functional consequence: skipped exon, retained intron. Not counted in ClinVar's aggregate classification.